The following is an entry in ClinVar:

ClinVar aggregate classification (germline): Uncertain significance. Review status: criteria provided, multiple submitters, no conflicts (2 of 4 stars). 2 submissions from 2 submitters: Uncertain significance (2). Last evaluated 2024-09-15.

gnomAD v4.1: 20 of 1,613,932 alleles (0.0012%); highest among the groups gnomAD compares: African/African-American, 0.023%; no homozygotes.

Submissions (2):

Labcorp Genetics (formerly Invitae), Labcorp
Classification: Uncertain significance. Last evaluated: 2024-09-15. Review status: criteria provided, single submitter. Criteria: Invitae Variant Classification Sherloc (09022015). Collection method: clinical testing. Allele origin: germline.
Comment: This sequence change replaces glycine, which is neutral and non-polar, with valine, which is neutral and non-polar, at codon 492 of the BACH2 protein (p.Gly492Val). This variant is present in population databases (rs377163140, gnomAD 0.03%). This variant has not been reported in the literature in individuals affected with BACH2-related conditions. Invitae Evidence Modeling of protein sequence and biophysical properties (such as structural, functional, and spatial information, amino acid conservation, physicochemical variation, residue mobility, and thermodynamic stability) indicates that this missense variant is not expected to disrupt BACH2 protein function with a negative predictive value of 80%. In summary, the available evidence is currently insufficient to determine the role of this variant in disease. Therefore, it has been classified as a Variant of Uncertain Significance.

Ambry Genetics
Classification: Uncertain significance. Last evaluated: 2024-03-19. Review status: criteria provided, single submitter. Criteria: Ambry Variant Classification Scheme 2023. Collection method: clinical testing. Allele origin: germline.

NM_021813.4(BACH2):c.1475G>T (p.Gly492Val)

Gene: BACH2 (BACH transcriptional regulator 2; minus strand). Cytogenetic location: 6q15.
Variant type: single nucleotide variant.
Coding change: c.1475G>T on transcript NM_021813.4 (MANE Select); coding-DNA position 1475, G replaced by T.
Protein change: p.Gly492Val; replaces glycine 492 with valine.
Molecular consequence: missense variant.
Genome position (GRCh38, 1-based): chr6:89,950,631, C>A on the plus strand (G>T on the coding strand, the complement: BACH2 is on the minus strand). VCF-style: chr6-89950631-C-A. GRCh37 (hg19) VCF-style: chr6-90660350-C-A.
Other names: c.1475G>T, p.Gly492Val (NM_001170794.2); short protein forms G492V.
Identifiers: ClinVar variation 3259934 (VCV003259934.3).